The following is an entry in ClinVar:

ClinVar aggregate classification (germline): Uncertain significance. Review status: criteria provided, multiple submitters, no conflicts (2 of 4 stars). 2 submissions from 2 submitters: Uncertain significance (2). Last evaluated 2026-08-17.

Conditions:
Neurofibromatosis, type 1 (NF1). Also called: VON RECKLINGHAUSEN DISEASE; Peripheral type neurofibromatosis; NEUROFIBROMATOSIS, TYPE I, SOMATIC; Neurofibromatosis, type I. Identifiers: Orphanet 636, MedGen C0027831, MONDO:0018975, OMIM 162200. Disease mechanism: loss of function.
Hereditary cancer-predisposing syndrome. Also called: Hereditary Cancer Syndrome; Hereditary neoplastic syndrome; Neoplastic Syndromes, Hereditary; Tumor predisposition. Identifiers: Orphanet 140162, MedGen C0027672, MeSH D009386, MONDO:0015356.
Cardiovascular phenotype. Identifiers: MedGen CN230736.

Allele frequency attached by ClinVar (database versions not stated): TOPMed below 0.00001.

Submissions (2):

Ambry Genetics
Classification: Uncertain significance for Cardiovascular phenotype; Hereditary cancer-predisposing syndrome. Last evaluated: 2026-08-17. Review status: criteria provided, single submitter. Criteria: Ambry Variant Classification Scheme 2023. Collection method: clinical testing. Allele origin: germline.
Comment: The p.H1431P variant (also known as c.4292A>C), located in coding exon 32 of the NF1 gene, results from an A to C substitution at nucleotide position 4292. The histidine at codon 1431 is replaced by proline, an amino acid with similar properties. This amino acid position is highly conserved in available vertebrate species. In addition, this alteration is predicted to be deleterious by in silico analysis. Based on the available evidence, the clinical significance of this variant remains unclear.

Labcorp Genetics (formerly Invitae), Labcorp
Classification: Uncertain significance for Neurofibromatosis, type 1. Last evaluated: 2025-12-24. Review status: criteria provided, single submitter. Criteria: Invitae Variant Classification Sherloc (09022015). Collection method: clinical testing. Allele origin: germline.
Comment: This sequence change replaces histidine, which is basic and polar, with proline, which is neutral and non-polar, at codon 1431 of the NF1 protein (p.His1431Pro). This variant is not present in population databases (gnomAD no frequency). This variant has not been reported in the literature in individuals affected with NF1-related conditions. ClinVar contains an entry for this variant (Variation ID: 2452288). Invitae Evidence Modeling of protein sequence and biophysical properties (such as structural, functional, and spatial information, amino acid conservation, physicochemical variation, residue mobility, and thermodynamic stability) indicates that this missense variant is expected to disrupt NF1 protein function with a positive predictive value of 95%. In summary, the available evidence is currently insufficient to determine the role of this variant in disease. Therefore, it has been classified as a Variant of Uncertain Significance.

NM_001042492.3(NF1):c.4355A>C (p.His1452Pro)

Gene: NF1 (neurofibromin 1; plus strand). Cytogenetic location: 17q11.2.
Variant type: single nucleotide variant.
Coding change: c.4355A>C on transcript NM_001042492.3 (MANE Select); coding-DNA position 4355, A replaced by C.
Protein change: p.His1452Pro; replaces histidine 1452 with proline.
Molecular consequence: missense variant.
Genome position (GRCh38, 1-based): chr17:31,259,054, A>C. VCF-style: chr17-31259054-A-C. GRCh37 (hg19) VCF-style: chr17-29586072-A-C.
Other names: c.4292A>C, p.His1431Pro (NM_000267.4); short protein forms H1431P, H1452P.
Identifiers: ClinVar variation 2452288 (VCV002452288.4), dbSNP rs1567862291, ClinGen allele CA398998752.